The following is an entry in ClinVar:

ClinVar aggregate classification (germline): Likely pathogenic (1 of 4 stars; one submission).

gnomAD v4.1: 2 of 1,613,258 alleles (0.00012%); highest among the groups gnomAD compares: African/African-American, 0.0013%; no homozygotes.

Submission:

Labcorp Genetics (formerly Invitae), Labcorp
Classification: Likely pathogenic. Last evaluated: 2024-07-22. Review status: criteria provided, single submitter. Criteria: Invitae Variant Classification Sherloc (09022015). Collection method: clinical testing. Allele origin: germline.
Comment: This sequence change affects a donor splice site in intron 17 of the TOP3A gene. It is expected to disrupt RNA splicing. Variants that disrupt the donor or acceptor splice site typically lead to a loss of protein function (PMID: 16199547), and loss-of-function variants in TOP3A are known to be pathogenic (PMID: 30057030). This variant is present in population databases (no rsID available, gnomAD 0.01%). This variant has not been reported in the literature in individuals affected with TOP3A-related conditions. Algorithms developed to predict the effect of sequence changes on RNA splicing suggest that this variant may disrupt the consensus splice site. In summary, the currently available evidence indicates that the variant is pathogenic, but additional data are needed to prove that conclusively. Therefore, this variant has been classified as Likely Pathogenic.

Literature cited by the submitters: PubMed 16199547; PubMed 30057030.

NM_004618.5(TOP3A):c.2144+1G>T

Gene: TOP3A (DNA topoisomerase III alpha; minus strand). Cytogenetic location: 17p11.2.
Variant type: single nucleotide variant.
Coding change: c.2144+1G>T on transcript NM_004618.5 (MANE Select); the canonical splice donor site of the intron after coding-DNA position 2144, G replaced by T.
Molecular consequence: splice donor variant.
Genome position (GRCh38, 1-based): chr17:18,280,535, C>A on the plus strand (G>T on the coding strand, the complement: TOP3A is on the minus strand). VCF-style: chr17-18280535-C-A. GRCh37 (hg19) VCF-style: chr17-18183849-C-A.
Other names: c.1859+1G>T (NM_001320759.2).
Identifiers: ClinVar variation 3686830 (VCV003686830.2).